The following is an entry in ClinVar:

NM_031407.7(HUWE1):c.3718C>T (p.Arg1240Cys)

Genes: HUWE1 (HECT, UBA and WWE domain containing E3 ubiquitin protein ligase 1; minus strand), LOC126863263 (BRD4-independent group 4 enhancer GRCh37_chrX:53619238-53620437; plus strand). Cytogenetic location: Xp11.22.
Variant type: single nucleotide variant.
Coding change: c.3718C>T on transcript NM_031407.7 (MANE Select); coding-DNA position 3718, C replaced by T.
Protein change: p.Arg1240Cys; replaces arginine 1240 with cysteine.
Molecular consequence: missense variant.
Genome position (GRCh38, 1-based): chrX:53,593,387, G>A on the plus strand (C>T on the coding strand, the complement: HUWE1 is on the minus strand). VCF-style: chrX-53593387-G-A. GRCh37 (hg19) VCF-style: chrX-53620347-G-A.
Other names: short protein forms R1240C.
Identifiers: ClinVar variation 1704087 (VCV001704087.3), dbSNP rs368191446, ClinGen allele CA10422533.
Genomic context (GRCh38, chrX:53,593,387, plus strand): 5'-AGAAATTCCTTTTGATTTTAGAATACTGAATACTCACTTTCTGAGTTACCACAAGGAAGC[G>A]CAGTGCACTGAACTGGGGAAAGTTCTGGACACCTCCAGGCAATTTGGCAGGCAGCGAATG-3'
Protein context (NP_113584.3, residues 1230-1250): VQNFPQFSAL[Arg1240Cys]FLVVTQKAAF

ClinVar aggregate classification (germline): Uncertain significance. Review status: criteria provided, multiple submitters, no conflicts (2 of 4 stars). 2 submissions from 2 submitters: Uncertain significance (2). Last evaluated 2024-03-13.

Allele frequency attached by ClinVar (database versions not stated): gnomAD exomes below 0.00001; gnomAD 0.00001; TOPMed 0.00001; ExAC 0.00002; ESP Exome Variant Server 0.00009.
gnomAD v4.1: 3 of 1,195,895 alleles (0.00025%); highest among the groups gnomAD compares: South Asian, 0.0018%; no homozygotes.

Submissions (2):

Blueprint Genetics
Classification: Uncertain significance. Last evaluated: 2024-03-13. Review status: criteria provided, single submitter. Criteria: ACMG Guidelines, 2015. Collection method: clinical testing. Allele origin: germline.

GeneDx
Classification: Uncertain significance. Last evaluated: 2022-08-30. Review status: criteria provided, single submitter. Criteria: GeneDx Variant Classification Process June 2021. Collection method: clinical testing. Allele origin: germline. Affected: yes.
Comment: Not observed in large population cohorts (gnomAD); In silico analysis supports that this missense variant has a deleterious effect on protein structure/function; Has not been previously published as pathogenic or benign to our knowledge